The following is an entry in ClinVar:

NC_000001.10:g.(?_235613511)_(235667562_?)dup

Gene: B3GALNT2 (beta-1,3-N-acetylgalactosaminyltransferase 2; minus strand). Cytogenetic location: 1q42.3.
Variant type: Duplication.
Identifiers: ClinVar variation 652962 (VCV000652962.3).

ClinVar aggregate classification (germline): Uncertain significance (1 of 4 stars; one submission).

Conditions:
Muscular dystrophy-dystroglycanopathy (congenital with brain and eye anomalies), type a, 11 (MDDGA11). Also called: Congenital muscular dystrophy-dystroglycanopathy with brain and eye anomalies, type A11; WALKER-WARBURG SYNDROME OR MUSCLE-EYE-BRAIN DISEASE, B3GALNT2-RELATED; Muscular dystrophy-dystroglycanopathy (congenital with brain and eye anomalies, type A, 11. Identifiers: Orphanet 588, Orphanet 899, MedGen C3554638, MONDO:0014071, OMIM 615181.

Submission:

Labcorp Genetics (formerly Invitae), Labcorp
Classification: Uncertain significance for Muscular dystrophy-dystroglycanopathy (congenital with brain and eye anomalies), type a, 11. Last evaluated: 2021-02-09. Review status: criteria provided, single submitter. Criteria: Invitae Variant Classification Sherloc (09022015). Collection method: clinical testing. Allele origin: germline.
Comment: This variant results in a copy number gain of the genomic region encompassing the full coding sequence of the B3GALNT2 gene. The boundaries of this event are unknown as they extend beyond the assayed region for this gene and therefore may encompass additional genes. As the precise location of this event is unknown, it may be in tandem or it may be located elsewhere in the genome. This variant has not been reported in the literature in individuals with B3GALNT2-related conditions. In summary, the available evidence is currently insufficient to determine the role of this variant in disease. Therefore, it has been classified as a Variant of Uncertain Significance.